The following is an entry in ClinVar:

ClinVar aggregate classification (germline): Likely benign. Review status: criteria provided, multiple submitters, no conflicts (2 of 4 stars). 2 submissions from 2 submitters: Likely benign (2). Last evaluated 2025-12-02.

Allele frequency attached by ClinVar (database versions not stated): gnomAD 0.00002 and 0.00003; gnomAD exomes 0.00003 and 0.00009; TOPMed 0.00005; ExAC 0.00010; 1000 Genomes Project 30x 0.00031; 1000 Genomes Project 0.00040.
gnomAD v4.1: 46 of 1,614,072 alleles (0.0028%); highest among the groups gnomAD compares: East Asian, 0.098%; no homozygotes.

Submissions (2):

Labcorp Genetics (formerly Invitae), Labcorp
Classification: Likely benign. Last evaluated: 2025-12-02. Review status: criteria provided, single submitter. Criteria: Invitae Variant Classification Sherloc (09022015). Collection method: clinical testing. Allele origin: germline.

CeGaT Center for Human Genetics Tuebingen
Classification: Likely benign. Last evaluated: 2022-05-01. Review status: criteria provided, single submitter. Criteria: CeGaT Center For Human Genetics Tuebingen Variant Classification Criteria Version 2. Collection method: clinical testing. Allele origin: germline. Affected: yes. Observed: 1 variant allele.
Comment: VPS33A: BP4, BP7

NM_022916.6(VPS33A):c.366A>G (p.Glu122=)

Gene: VPS33A (VPS33A core subunit of CORVET and HOPS complexes; minus strand). Cytogenetic location: 12q24.31.
Variant type: single nucleotide variant.
Coding change: c.366A>G on transcript NM_022916.6 (MANE Select); coding-DNA position 366, A replaced by G.
Protein change: p.Glu122=; no amino-acid change (glutamic acid 122 retained).
Molecular consequence: synonymous variant.
Genome position (GRCh38, 1-based): chr12:122,261,378, T>C on the plus strand (A>G on the coding strand, the complement: VPS33A is on the minus strand). VCF-style: chr12-122261378-T-C. GRCh37 (hg19) VCF-style: chr12-122745925-T-C.
Other names: c.333A>G, p.Glu111= (NM_001351018.2); c.318A>G, p.Glu106= (NM_001351019.2); c.366A>G, p.Glu122= (NM_001351020.2, NM_001351021.2).
Identifiers: ClinVar variation 1694690 (VCV001694690.34), dbSNP rs201412271, ClinGen allele CA6844615.